The following is an entry in ClinVar:

ClinVar aggregate classification (germline): Conflicting classifications of pathogenicity. Review status: criteria provided, conflicting classifications (1 of 4 stars). 3 submissions from 3 submitters: Uncertain significance (2); Likely benign (1). Last evaluated 2023-03-23.

Conditions:
Hereditary breast ovarian cancer syndrome. Also called: Hereditary breast and ovarian cancer syndrome; Breast and ovarian cancer; Hereditary breast and ovarian cancer; Hereditary breast and/or ovarian cancer syndrome; Hereditary breast and ovarian cancer syndrome (HBOC); BRCA1- and BRCA2-Associated Hereditary Breast and Ovarian Cancer. Identifiers: Orphanet 145, MedGen C0677776, MeSH D061325, MONDO:0003582. Disease mechanism: loss of function.
Hereditary cancer-predisposing syndrome. Also called: Hereditary neoplastic syndrome; Tumor predisposition; Neoplastic Syndromes, Hereditary; Hereditary Cancer Syndrome. Identifiers: Orphanet 140162, MedGen C0027672, MeSH D009386, MONDO:0015356.

Submissions (3):

University of Washington Department of Laboratory Medicine, University of Washington
Classification: Likely benign for Hereditary cancer-predisposing syndrome. Last evaluated: 2023-03-23. Review status: criteria provided, single submitter. Criteria: Dines et al. (Genet Med. 2020). Collection method: curation. Allele origin: germline.
Comment: Missense variant in a coldspot region where missense variants are very unlikely to be pathogenic (PMID:31911673).

BRCA1 coldspot (exon 11 using historical exon numbering). Reclassification based on statistical prior probability

ARUP Laboratories, Molecular Genetics and Genomics, ARUP Laboratories
Classification: Uncertain significance. Last evaluated: 2019-06-10. Review status: criteria provided, single submitter. Criteria: ARUP Molecular Germline Variant Investigation Process. Collection method: clinical testing. Allele origin: germline.
Comment: The BRCA1 c.2563C>A; p.Gln855Lys variant, to our knowledge, is not reported in the medical literature or gene-specific databases. However, another variant in the same codon, p.Gln855Pro, is reported in the literature in an individual with breast cancer (Momozawa 2018). The p.Gln855Lys variant is reported in the ClinVar database (Variation ID: 569114), but is absent from general population databases (Exome Variant Server, Genome Aggregation Database), indicating it is not a common polymorphism. The amino acid at this position is highly conserved and computational analyses (SIFT, PolyPhen-2) predict that this variant is deleterious. Due to limited information, the clinical significance of the variant is uncertain at this time. References: Momozawa Y et al. Germline pathogenic variants of 11 breast cancer genes in 7,051 Japanese patients and 11,241 controls. Nat Commun. 2018 Oct 4;9(1):4083.

Labcorp Genetics (formerly Invitae), Labcorp
Classification: Uncertain significance for Hereditary breast ovarian cancer syndrome. Last evaluated: 2018-02-28. Review status: criteria provided, single submitter. Criteria: Invitae Variant Classification Sherloc (09022015). Collection method: clinical testing. Allele origin: germline.
Comment: This sequence change replaces glutamine with lysine at codon 855 of the BRCA1 protein (p.Gln855Lys). The glutamine residue is highly conserved and there is a small physicochemical difference between glutamine and lysine. This variant is not present in population databases (ExAC no frequency). This variant has not been reported in the literature in individuals with BRCA1-related disease. Algorithms developed to predict the effect of missense changes on protein structure and function do not agree on the potential impact of this missense change (SIFT: "Tolerated"; PolyPhen-2: "Probably Damaging"; Align-GVGD: "Class C0"). In summary, the available evidence is currently insufficient to determine the role of this variant in disease. Therefore, it has been classified as a Variant of Uncertain Significance.

NM_007294.4(BRCA1):c.2563C>A (p.Gln855Lys)

Gene: BRCA1 (BRCA1 DNA repair associated; minus strand). Cytogenetic location: 17q21.31.
Variant type: single nucleotide variant.
Coding change: c.2563C>A on transcript NM_007294.4 (MANE Select); coding-DNA position 2563, C replaced by A.
Protein change: p.Gln855Lys; replaces glutamine 855 with lysine.
Molecular consequence: missense variant. On other transcripts: intron variant (137).
Genome position (GRCh38, 1-based): chr17:43,092,968, G>T on the plus strand (C>A on the coding strand, the complement: BRCA1 is on the minus strand). VCF-style: chr17-43092968-G-T. GRCh37 (hg19) VCF-style: chr17-41244985-G-T.
Other names: c.2560C>A, p.Gln854Lys (NM_001407591.1, NM_001407615.1, NM_001407610.1 and 22 more transcripts); c.2563C>A, p.Gln855Lys (NM_001407593.1, NM_001407616.1, NM_001407617.1 and 30 more transcripts); c.784+1776C>A (NM_001407985.1, NM_001407991.1, NM_001408407.1 and 13 more transcripts); c.548-1936C>A (NM_001408494.1); c.664+1776C>A (NM_001408444.1, NM_001408438.1, NM_001408430.1 and 12 more transcripts); c.671-1936C>A (NM_001408423.1, NM_001408420.1, NM_001408419.1 and 2 more transcripts); c.787+1776C>A (NM_001408404.1, NM_001408472.1, NM_001407990.1 and 17 more transcripts); c.788-829C>A (NM_001407969.1, NM_001407968.1); and 41 more; short protein forms Q855K, Q808K, Q559K, Q767K, Q829K, Q854K, Q728K, Q744K.
Identifiers: ClinVar variation 569114 (VCV000569114.19), dbSNP rs80357131, ClinGen allele CA10596866.